The following is an entry in ClinVar:

ClinVar aggregate classification (germline): Uncertain significance (1 of 4 stars; one submission).

Conditions:
Cerebellar dysfunction with variable cognitive and behavioral abnormalities (CECBA). Also called: Nonprogressive cerebellar atxia with intellectual disability. Identifiers: Orphanet 314647, MedGen C3553661, MONDO:0013886, OMIM 614756.

Submission:

Baylor Genetics
Classification: Uncertain significance for Cerebellar dysfunction with variable cognitive and behavioral abnormalities. Last evaluated: 2019-11-18. Review status: criteria provided, single submitter. Criteria: ACMG Guidelines, 2015. Collection method: clinical testing. Allele origin: unknown. Affected: yes.
Comment: This variant was determined to be of uncertain significance according to ACMG Guidelines, 2015 [PMID:25741868].

NM_015215.4(CAMTA1):c.1187G>A (p.Ser396Asn)

Gene: CAMTA1 (calmodulin binding transcription activator 1; plus strand). Cytogenetic location: 1p36.23.
Variant type: single nucleotide variant.
Coding change: c.1187G>A on transcript NM_015215.4 (MANE Select); coding-DNA position 1187, G replaced by A.
Protein change: p.Ser396Asn; replaces serine 396 with asparagine.
Molecular consequence: missense variant.
Genome position (GRCh38, 1-based): chr1:7,663,734, G>A. VCF-style: chr1-7663734-G-A. GRCh37 (hg19) VCF-style: chr1-7723794-G-A.
Other names: c.1097G>A, p.Ser366Asn (NM_001349608.2, NM_001349612.2); c.1187G>A, p.Ser396Asn (NM_001349609.2, NM_001349610.2); short protein forms S366N, S396N.
Identifiers: ClinVar variation 1029365 (VCV001029365.1), dbSNP rs2095980355, ClinGen allele CA338125979.